The following is an entry in ClinVar:

ClinVar aggregate classification (germline): Likely pathogenic (1 of 4 stars; one submission).

Conditions:
Inborn genetic diseases. Identifiers: MedGen C0950123, MeSH D030342.

Submission:

Ambry Genetics
Classification: Likely pathogenic for Inborn genetic diseases. Last evaluated: 2017-09-29. Review status: criteria provided, single submitter. Criteria: Ambry Variant Classification Scheme 2023. Collection method: clinical testing. Allele origin: germline.
Comment: The p.P809R variant (also known as c.2426C>G), located in coding exon 16 of the EHMT1 gene, results from a C to G substitution at nucleotide position 2426. The proline at codon 809 is replaced by arginine, an amino acid with dissimilar properties. This variant has been determined to be the result of a de novo mutation or germline mosaicism in one family with an isolated case of EHMT1-related neurological disorder (Ambry internal data). Based on internal structural analysis, this alteration is predicted to destabilize the interface between ankyrin repeats 2 and 3, of the ankyrin domain (Collins RE et al. Nat. Struct. Mol. Biol., 2008 Mar;15:245-50). In addition, a different alteration located at the same position, p.P809L, has been detected (once as a de novo occurrence) in two individuals with Kleefstra syndrome (KS) phenotypes. Authors also used structural and functional studies to show that the p.P809L variant likely has a deleterious impact on function; however, the direct link to pathology of unfolding in this domain was not completely characterized (Blackburn PR et al. J. Biol. Chem., 2017 Mar;292:3866-3876).This amino acid position is highly conserved in available vertebrate species. In addition, this alteration is predicted to be deleterious by in silico analysis. Based on the majority of available evidence to date, this variant is likely to be pathogenic.

Literature cited by the submitters: PubMed 18264113; PubMed 28057753.

NM_024757.5(EHMT1):c.2426C>G (p.Pro809Arg)

Gene: EHMT1 (euchromatic histone lysine methyltransferase 1; plus strand). Cytogenetic location: 9q34.3.
Variant type: single nucleotide variant.
Coding change: c.2426C>G on transcript NM_024757.5 (MANE Select); coding-DNA position 2426, C replaced by G.
Protein change: p.Pro809Arg; replaces proline 809 with arginine.
Molecular consequence: missense variant.
Genome position (GRCh38, 1-based): chr9:137,790,891, C>G. VCF-style: chr9-137790891-C-G. GRCh37 (hg19) VCF-style: chr9-140685343-C-G.
Other names: c.2333C>G, p.Pro778Arg (NM_001354259.2); c.2405C>G, p.Pro802Arg (NM_001354263.2); short protein forms P802R, P809R, P778R.
Identifiers: ClinVar variation 1791094 (VCV001791094.2), dbSNP rs587780332, ClinGen allele CA375785509.